The following is an entry in ClinVar:

NM_030665.4(RAI1):c.252C>T (p.Ala84=)

Gene: RAI1 (retinoic acid induced 1; plus strand). Cytogenetic location: 17p11.2.
Variant type: single nucleotide variant.
Coding change: c.252C>T on transcript NM_030665.4 (MANE Select); coding-DNA position 252, C replaced by T.
Protein change: p.Ala84=; no amino-acid change (alanine 84 retained).
Molecular consequence: synonymous variant.
Genome position (GRCh38, 1-based): chr17:17,793,200, C>T. VCF-style: chr17-17793200-C-T. GRCh37 (hg19) VCF-style: chr17-17696514-C-T.
Other names: c.252C>T (NM_030665.3).
Identifiers: ClinVar variation 2731451 (VCV002731451.5), dbSNP rs570413549, ClinGen allele CA8418085.
Genomic context (GRCh38, chr17:17,793,200, plus strand): 5'-CACGCCCTCTGGCACTGCAGCCGCGGTGGCCGCCGACAAGTACCACCGAGGCAGCAAGGC[C>T]CTGCCCACACAGCAAGGCCTGCAGGGGAGGCCGGCTTTCCCTGGCTACGGCGTCCAGGAC-3'
Protein context (NP_109590.3, residues 74-94): AADKYHRGSK[Ala84=]LPTQQGLQGR

ClinVar aggregate classification (germline): Likely benign. Review status: criteria provided, single submitter (1 of 4 stars). 2 submissions from 2 submitters: Likely benign (1). 1 of the submissions does not count toward it. Last evaluated 2023-11-24.

Conditions:
RAI1-related disorder. Also called: RAI1-related condition.

Allele frequency attached by ClinVar (database versions not stated): gnomAD exomes 0.00001; TOPMed 0.00001; gnomAD 0.00002; ExAC 0.00007; 1000 Genomes Project 30x 0.00016; 1000 Genomes Project 0.00020.
gnomAD v4.1: 14 of 1,612,736 alleles (0.00087%); highest among the groups gnomAD compares: East Asian, 0.022%; no homozygotes.

Submissions (2):

Labcorp Genetics (formerly Invitae), Labcorp
Classification: Likely benign. Last evaluated: 2023-11-24. Review status: criteria provided, single submitter. Criteria: Invitae Variant Classification Sherloc (09022015). Collection method: clinical testing. Allele origin: germline.

PreventionGenetics, part of Exact Sciences
Classification: Likely benign for RAI1-related condition. Last evaluated: 2023-12-14. Review status: no assertion criteria provided. Collection method: clinical testing. Allele origin: germline. Not counted in ClinVar's aggregate classification.
Comment: This variant is classified as likely benign based on ACMG/AMP sequence variant interpretation guidelines (Richards et al. 2015 PMID: 25741868, with internal and published modifications).